The following is an entry in ClinVar:

NM_002473.6(MYH9):c.3428_3429delinsTG (p.Ala1143Val)

Gene: MYH9 (myosin heavy chain 9; minus strand). Cytogenetic location: 22q12.3.
Variant type: Indel.
Coding change: c.3428_3429delinsTG on transcript NM_002473.6 (MANE Select); coding-DNA positions 3428 to 3429, CT replaced by TG.
Protein change: p.Ala1143Val; replaces alanine 1143 with valine.
Molecular consequence: missense variant.
Genome position (GRCh38, 1-based): chr22:36,295,561-36,295,562, AG replaced by CA on the plus strand (CT replaced by TG on the coding strand, the reverse complement: MYH9 is on the minus strand). VCF-style: chr22-36295561-AG-CA. GRCh37 (hg19) VCF-style: chr22-36691607-AG-CA.
Other names: short protein forms A1143V.
Identifiers: ClinVar variation 3572639 (VCV003572639.1).

ClinVar aggregate classification (germline): Uncertain significance (1 of 4 stars; one submission).

Submission:

GeneDx
Classification: Uncertain significance. Last evaluated: 2024-07-08. Review status: criteria provided, single submitter. Criteria: GeneDx Variant Classification Process June 2021. Collection method: clinical testing. Allele origin: germline. Affected: yes.
Comment: Not observed at significant frequency in large population cohorts (gnomAD); In silico analysis supports a deleterious effect on protein structure/function; Has not been previously published as pathogenic or benign to our knowledge